The following is an entry in ClinVar:

ClinVar aggregate classification (germline): Pathogenic. Review status: criteria provided, single submitter (1 of 4 stars). 4 submissions from 4 submitters: Pathogenic (1). 3 of the submissions do not count toward it. Last evaluated 2017-05-31.

Conditions:
Aspartylglucosaminuria (AGU). Also called: AGA DEFICIENCY; GLYCOASPARAGINASE; GLYCOSYLASPARAGINASE DEFICIENCY; Aspartylglucos-aminuria; Aspartylglucos-amidase (AGA) deficiency. Identifiers: Orphanet 93, MedGen C0268225, MONDO:0008830, OMIM 208400, HP:0012068.

Submissions (4):

Clinical Genetics DNA and cytogenetics Diagnostics Lab, Erasmus MC, Erasmus Medical Center
Classification: Pathogenic for Aspartylglucosaminuria. Last evaluated: 2017-05-31. Review status: criteria provided, single submitter. Criteria: ACGS Guidelines, 2013. Collection method: clinical testing. Allele origin: germline. Affected: yes. Study: VKGL Data-share Consensus.

OMIM
Classification: Pathogenic for ASPARTYLGLUCOSAMINURIA. Last evaluated: 1991-12-15. Review status: no assertion criteria provided. Collection method: literature only. Allele origin: germline. Not counted in ClinVar's aggregate classification.

Diagnostic Laboratory, Department of Genetics, University Medical Center Groningen
Classification: Likely pathogenic for Aspartylglucosaminuria. Review status: no assertion criteria provided. Collection method: clinical testing. Allele origin: germline. Affected: yes. Study: VKGL Data-share Consensus. Not counted in ClinVar's aggregate classification.

Juha Muilu Group; Institute for Molecular Medicine Finland (FIMM)
Classification: Likely pathogenic for Aspartylglycosaminuria. Review status: no assertion criteria provided. Collection method: not provided. Allele origin: unknown. Not counted in ClinVar's aggregate classification.
Comment: FinDis database variant: This variant was not found or characterized by our laboratory, data were collected from public sources: see reference
ClinVar note: Converted during submission from probable-pathogenic to Likely pathogenic.

Literature cited by the submitters: PubMed 1722323 (cited by OMIM).

NM_000027.4(AGA):c.336del (p.Ile112fs)

Gene: AGA (aspartylglucosaminidase; minus strand). Cytogenetic location: 4q34.3.
Variant type: Deletion.
Coding change: c.336del on transcript NM_000027.4 (MANE Select); coding-DNA position 336, one base deleted (T; older notation c.336delT).
Protein change: p.Ile112fs; shifts the reading frame from isoleucine 112.
Molecular consequence: frameshift variant. On other transcripts: non-coding transcript variant (1).
Genome position (GRCh38, 1-based): chr4:177,439,634, A deleted on the plus strand (T on the coding strand, the reverse complement: AGA is on the minus strand); the first of 2 consecutive A bases (chr4:177,439,634-177,439,635); deleting either gives the same sequence. VCF-style (leftmost placement, unchanged base first): chr4-177439633-CA-C. GRCh37 (hg19) VCF-style: chr4-178360787-CA-C.
Other names: c.336del, p.Ile112fs (NM_001171988.2); short protein forms I112fs.
Identifiers: ClinVar variation 55941 (VCV000055941.4), dbSNP rs386833422, ClinGen allele CA144016.
Genomic context (GRCh38, chr4:177,439,633, plus strand): 5'-TACCTGACTCTCCTACTAAAAGTGTGTGTGTTGTATGTTCCAGTACTTTCCGTGCCACAC[CA>C]ATAGCATTTTTAATTCGTCTGAGATCTCCTACTGCTCCTACATCCATAGTAGTGCTGCAA-3'